The following is an entry in ClinVar:

NM_001080517.3(SETD5):c.1082G>A (p.Arg361Gln)

Gene: SETD5 (SET domain containing 5; plus strand). Cytogenetic location: 3p25.3.
Variant type: single nucleotide variant.
Coding change: c.1082G>A on transcript NM_001080517.3 (MANE Select); coding-DNA position 1082, G replaced by A.
Protein change: p.Arg361Gln; replaces arginine 361 with glutamine.
Molecular consequence: missense variant.
Genome position (GRCh38, 1-based): chr3:9,443,312, G>A. VCF-style: chr3-9443312-G-A. GRCh37 (hg19) VCF-style: chr3-9484996-G-A.
Other names: c.788G>A, p.Arg263Gln (NM_001292043.2, NM_001349451.2); c.1082G>A (NM_001080517.1); short protein forms R361Q, R263Q.
Identifiers: ClinVar variation 1439920 (VCV001439920.8), dbSNP rs2125212022, ClinGen allele CA351689855.

ClinVar aggregate classification (germline): Conflicting classifications of pathogenicity. Review status: criteria provided, conflicting classifications (1 of 4 stars). 2 submissions from 2 submitters: Pathogenic (1); Uncertain significance (1). Last evaluated 2025-08-08.

Submissions (2):

GeneDx
Classification: Pathogenic. Last evaluated: 2025-08-08. Review status: criteria provided, single submitter. Criteria: GeneDx Variant Classification Process June 2021. Collection method: clinical testing. Allele origin: germline.
Comment: Not observed at significant frequency in large population cohorts (gnomAD); In silico analysis supports that this missense variant has a deleterious effect on protein structure/function; This variant is associated with the following publications: (PMID: 32368696)

Labcorp Genetics (formerly Invitae), Labcorp
Classification: Uncertain significance. Last evaluated: 2022-08-16. Review status: criteria provided, single submitter. Criteria: Invitae Variant Classification Sherloc (09022015). Collection method: clinical testing. Allele origin: germline.
Comment: This sequence change replaces arginine, which is basic and polar, with glutamine, which is neutral and polar, at codon 361 of the SETD5 protein (p.Arg361Gln). This variant is not present in population databases (gnomAD no frequency). This variant has not been reported in the literature in individuals affected with SETD5-related conditions. ClinVar contains an entry for this variant (Variation ID: 1439920). Algorithms developed to predict the effect of missense changes on protein structure and function (SIFT, PolyPhen-2, Align-GVGD) all suggest that this variant is likely to be disruptive. In summary, the available evidence is currently insufficient to determine the role of this variant in disease. Therefore, it has been classified as a Variant of Uncertain Significance.